The following is an entry in ClinVar:

ClinVar aggregate classification (germline): Conflicting classifications of pathogenicity. Review status: criteria provided, conflicting classifications (1 of 4 stars). 2 submissions from 2 submitters: Uncertain significance (1); Likely benign (1). Last evaluated 2026-02-04.

Conditions:
ARHGEF10-related disorder. Also called: ARHGEF10-related condition.

Allele frequency attached by ClinVar (database versions not stated): gnomAD exomes 0.00009 and 0.00019; ExAC 0.00024; gnomAD 0.00043 and 0.00045; ESP Exome Variant Server 0.00046; TOPMed 0.00053; 1000 Genomes Project 30x 0.00156; 1000 Genomes Project 0.00200.
gnomAD v4.1: 210 of 1,614,108 alleles (0.013%); highest among the groups gnomAD compares: African/African-American, 0.18%; 1 homozygote.

Submissions (2):

PreventionGenetics, part of Exact Sciences
Classification: Likely benign for ARHGEF10-related condition. Last evaluated: 2026-02-04. Review status: criteria provided, single submitter. Criteria: ACMG Guidelines, 2015. Collection method: clinical testing. Allele origin: germline.
Comment: This variant is classified as likely benign based on ACMG/AMP sequence variant interpretation guidelines (Richards et al. 2015 PMID: 25741868, with internal and published modifications).

Labcorp Genetics (formerly Invitae), Labcorp
Classification: Uncertain significance. Last evaluated: 2023-11-13. Review status: criteria provided, single submitter. Criteria: Invitae Variant Classification Sherloc (09022015). Collection method: clinical testing. Allele origin: germline.
Comment: This sequence change replaces valine, which is neutral and non-polar, with methionine, which is neutral and non-polar, at codon 307 of the ARHGEF10 protein (p.Val307Met). This variant is present in population databases (rs144623948, gnomAD 0.1%), and has an allele count higher than expected for a pathogenic variant. This variant has not been reported in the literature in individuals affected with ARHGEF10-related conditions. ClinVar contains an entry for this variant (Variation ID: 1399966). An algorithm developed to predict the effect of missense changes on protein structure and function (PolyPhen-2) suggests that this variant is likely to be disruptive. In summary, the available evidence is currently insufficient to determine the role of this variant in disease. Therefore, it has been classified as a Variant of Uncertain Significance.

NM_014629.4(ARHGEF10):c.919G>A (p.Val307Met)

Gene: ARHGEF10 (Rho guanine nucleotide exchange factor 10; plus strand). Cytogenetic location: 8p23.3.
Variant type: single nucleotide variant.
Coding change: c.919G>A on transcript NM_014629.4 (MANE Select); coding-DNA position 919, G replaced by A.
Protein change: p.Val307Met; replaces valine 307 with methionine.
Molecular consequence: missense variant. On other transcripts: intron variant (1).
Genome position (GRCh38, 1-based): chr8:1,880,123, G>A. VCF-style: chr8-1880123-G-A. GRCh37 (hg19) VCF-style: chr8-1828289-G-A.
Other names: c.922G>A, p.Val308Met (NM_001308153.3); c.847-2512G>A (NM_001308152.2); c.919G>A (NM_014629.3); short protein forms V307M, V332M, V308M.
Identifiers: ClinVar variation 1399966 (VCV001399966.5), dbSNP rs144623948, ClinGen allele CA4600106.